The following is an entry in ClinVar:

NM_007294.4(BRCA1):c.3008T>C (p.Phe1003Ser)

Gene: BRCA1 (BRCA1 DNA repair associated; minus strand). Cytogenetic location: 17q21.31.
Variant type: single nucleotide variant.
Coding change: c.3008T>C on transcript NM_007294.4 (MANE Select); coding-DNA position 3008, T replaced by C.
Protein change: p.Phe1003Ser; replaces phenylalanine 1003 with serine.
Molecular consequence: missense variant. On other transcripts: intron variant (137).
Genome position (GRCh38, 1-based): chr17:43,092,523, A>G on the plus strand (T>C on the coding strand, the complement: BRCA1 is on the minus strand). VCF-style: chr17-43092523-A-G. GRCh37 (hg19) VCF-style: chr17-41244540-A-G.
Other names: c.710-1491T>C (NM_001408411.1, NM_001408415.1, NM_001408412.1 and 2 more transcripts); c.578-1491T>C (NM_001408514.1, NM_001408485.1, NM_001408483.1 and 9 more transcripts); c.662-1491T>C (NM_001408447.1, NM_001408433.1, NM_001408446.1 and 6 more transcripts); c.785-1491T>C (NM_001408400.1, NM_001408392.1, NM_001407986.1 and 13 more transcripts); c.665-1491T>C (NM_001408441.1, NM_001408437.1, NM_001408429.1 and 12 more transcripts); c.788-1491T>C (NM_001407979.1, NM_001407977.1, NM_001407982.1 and 17 more transcripts); c.647-1491T>C (NM_001408410.1, NM_001408458.1, NM_001408469.1 and 11 more transcripts); c.2795T>C, p.Phe932Ser (NM_001407571.1, NM_001407853.1, NM_001407894.1 and 9 more transcripts); and 41 more; short protein forms F1003S, F956S, F1000S, F835S, F933S, F962S, F977S, F891S.
Identifiers: ClinVar variation 822568 (VCV000822568.17), dbSNP rs1344422504, ClinGen allele CA10595980.

ClinVar aggregate classification (germline): Conflicting classifications of pathogenicity. Review status: criteria provided, conflicting classifications (1 of 4 stars). 3 submissions from 3 submitters: Uncertain significance (1); Likely benign (2). Last evaluated 2024-03-06.

Conditions:
Hereditary cancer-predisposing syndrome. Also called: Tumor predisposition; Hereditary Cancer Syndrome; Neoplastic Syndromes, Hereditary; Hereditary neoplastic syndrome. Identifiers: Orphanet 140162, MedGen C0027672, MeSH D009386, MONDO:0015356.
Hereditary breast ovarian cancer syndrome. Also called: Hereditary breast and ovarian cancer; Breast and ovarian cancer; Hereditary breast and/or ovarian cancer syndrome; Hereditary breast and ovarian cancer syndrome; BRCA1- and BRCA2-Associated Hereditary Breast and Ovarian Cancer; Hereditary breast and ovarian cancer syndrome (HBOC). Identifiers: Orphanet 145, MedGen C0677776, MeSH D061325, MONDO:0003582. Disease mechanism: loss of function.

Allele frequency attached by ClinVar (database versions not stated): gnomAD exomes below 0.00001.
gnomAD v4.1: 2 of 1,614,054 alleles (0.00012%); highest among the groups gnomAD compares: Non-Finnish European, 0.00017%; no homozygotes.

Submissions (3):

Labcorp Genetics (formerly Invitae), Labcorp
Classification: Uncertain significance for Hereditary breast ovarian cancer syndrome. Last evaluated: 2024-03-06. Review status: criteria provided, single submitter. Criteria: Invitae Variant Classification Sherloc (09022015). Collection method: clinical testing. Allele origin: germline.
Comment: This sequence change replaces phenylalanine, which is neutral and non-polar, with serine, which is neutral and polar, at codon 1003 of the BRCA1 protein (p.Phe1003Ser). This variant is present in population databases (no rsID available, gnomAD 0.0009%). This variant has not been reported in the literature in individuals affected with BRCA1-related conditions. ClinVar contains an entry for this variant (Variation ID: 822568). Advanced modeling of protein sequence and biophysical properties (such as structural, functional, and spatial information, amino acid conservation, physicochemical variation, residue mobility, and thermodynamic stability) performed at Invitae indicates that this missense variant is not expected to disrupt BRCA1 protein function with a negative predictive value of 95%. In summary, the available evidence is currently insufficient to determine the role of this variant in disease. Therefore, it has been classified as a Variant of Uncertain Significance.

University of Washington Department of Laboratory Medicine, University of Washington
Classification: Likely benign for Hereditary cancer-predisposing syndrome. Last evaluated: 2023-03-23. Review status: criteria provided, single submitter. Criteria: Dines et al. (Genet Med. 2020). Collection method: curation. Allele origin: germline.
Comment: Missense variant in a coldspot region where missense variants are very unlikely to be pathogenic (PMID:31911673).

BRCA1 coldspot (exon 11 using historical exon numbering). Reclassification based on statistical prior probability

Ambry Genetics
Classification: Likely benign for Hereditary cancer-predisposing syndrome. Last evaluated: 2018-11-23. Review status: criteria provided, single submitter. Criteria: Ambry Variant Classification Scheme 2023. Collection method: clinical testing. Allele origin: germline.